The following is an entry in ClinVar:

ClinVar aggregate classification (germline): Uncertain significance (1 of 4 stars; one submission).

Allele frequency attached by ClinVar (database versions not stated): gnomAD exomes below 0.00001.
gnomAD v4.1: 4 of 1,611,794 alleles (0.00025%); highest among the groups gnomAD compares: South Asian, 0.0011%; no homozygotes.

Submission:

Labcorp Genetics (formerly Invitae), Labcorp
Classification: Uncertain significance. Last evaluated: 2017-05-14. Review status: criteria provided, single submitter. Criteria: Invitae Variant Classification Sherloc (09022015). Collection method: clinical testing. Allele origin: germline.
Comment: This variant is not present in population databases (ExAC no frequency) and has not been reported in the literature in individuals with an SCN3A-related disease. This sequence change affects codon 1131 of the SCN3A mRNA. It is a 'silent' change, meaning that it does not change the encoded amino acid sequence of the SCN3A protein. This variant also falls at the last nucleotide of exon 18 of the SCN3A coding sequence, which is part of the consensus splice site for this exon. In summary, this is a novel silent change with uncertain impact on splicing. It has been classified as a Variant of Uncertain Significance. Nucleotide substitutions within the consensus splice site are relatively common causes of aberrant splicing (PMID: 17576681, 9536098). Algorithms developed to predict the effect of nucleotide changes on RNA splicing suggest that this variant may alter RNA splicing, but this prediction has not been confirmed by published transcriptional studies.

Literature cited by the submitters: PubMed 17576681; PubMed 9536098.

NM_006922.4(SCN3A):c.3393G>A (p.Glu1131=)

Gene: SCN3A (sodium voltage-gated channel alpha subunit 3; minus strand). Cytogenetic location: 2q24.3.
Variant type: single nucleotide variant.
Coding change: c.3393G>A on transcript NM_006922.4 (MANE Select); coding-DNA position 3393, G replaced by A.
Protein change: p.Glu1131=; no amino-acid change (glutamic acid 1131 retained).
Molecular consequence: synonymous variant.
Genome position (GRCh38, 1-based): chr2:165,127,631, C>T on the plus strand (G>A on the coding strand, the complement: SCN3A is on the minus strand). VCF-style: chr2-165127631-C-T. GRCh37 (hg19) VCF-style: chr2-165984141-C-T.
Other names: c.3246G>A, p.Glu1082= (NM_001081676.2, NM_001081677.2).
Identifiers: ClinVar variation 1018069 (VCV001018069.6), dbSNP rs1687069472, ClinGen allele CA429971076.
Genomic context (GRCh38, chr2:165,127,631, plus strand): 5'-AATAACTGTAGTACATGGTTATCATAGGAAATGGAACAAAAAATTTAAAAGCATTCTTAC[C>T]TCTTTGCTTTCTTCTAGTTCTGACTCACTGCTGAACTCTTCAGTATTTAAGTTTTCAAAG-3'
Protein context (NP_008853.3, residues 1121-1141): SSESELEESK[Glu1131=]KLNATSSSEG